The following is an entry in ClinVar:

ClinVar aggregate classification (germline): Pathogenic (1 of 4 stars; one submission).

Submission:

Baylor Genetics
Classification: Pathogenic. Last evaluated: 2018-11-01. Review status: criteria provided, single submitter. Criteria: ACMG CNV Guidelines, 2011. Collection method: clinical testing. Allele origin: germline. Affected: yes. Observed: 1 variant allele.
Comment: Deletions involving this region have been previously reported in patients withintellectual disability and seizures (PMID: 18278044, 20236110)

GRCh37/hg19 15q13.2-13.3(chr15:31196867-32404084)

Genes: CHRNA7 (cholinergic receptor nicotinic alpha 7 subunit), FAN1 (FANCD2 and FANCI associated nuclease 1; plus strand), KLF13 (KLF transcription factor 13; plus strand), MIR211 (microRNA 211; minus strand), MTMR10 (myotubularin related protein 10; minus strand) and 2 more. Cytogenetic location: 15q13.2-13.3.
Variant type: copy number loss.
Identifiers: ClinVar variation 625721 (VCV000625721.1).